The following is an entry in ClinVar:

ClinVar aggregate classification (germline): Uncertain significance. Review status: criteria provided, multiple submitters, no conflicts (2 of 4 stars). 3 submissions from 3 submitters: Uncertain significance (3). Last evaluated 2026-06-13.

Conditions:
SPTLC2-related disorder. Also called: SPTLC2-related condition.
Inborn genetic diseases. Identifiers: MedGen C0950123, MeSH D030342.
Neuropathy, hereditary sensory and autonomic, type 1C. Also called: HSAN IC; HSN IC. Identifiers: Orphanet 36386, MedGen C3150896, MONDO:0013337, OMIM 613640.

Allele frequency attached by ClinVar (database versions not stated): gnomAD exomes 0.00001 and 0.00003; ExAC 0.00005; gnomAD 0.00014; ESP Exome Variant Server 0.00023; TOPMed 0.00032.
gnomAD v4.1: 41 of 1,613,978 alleles (0.0025%); highest among the groups gnomAD compares: Admixed American, 0.023%; no homozygotes.

Submissions (3):

PreventionGenetics, part of Exact Sciences
Classification: Uncertain significance for SPTLC2-related condition. Last evaluated: 2026-06-13. Review status: criteria provided, single submitter. Criteria: ACMG Guidelines, 2015. Collection method: clinical testing. Allele origin: germline.
Comment: The SPTLC2 c.1196G>A variant is predicted to result in the amino acid substitution p.Arg399Gln. To our knowledge, this variant has not been reported in the literature in patients with SPTLC2-related disorders. This variant is reported in 0.012% of alleles in individuals of African descent in gnomAD. Although we suspect that this variant may be benign, at this time, the clinical significance of this variant is uncertain due to the absence of conclusive functional and genetic evidence.

Labcorp Genetics (formerly Invitae), Labcorp
Classification: Uncertain significance for Neuropathy, hereditary sensory and autonomic, type 1C. Last evaluated: 2026-01-07. Review status: criteria provided, single submitter. Criteria: Invitae Variant Classification Sherloc (09022015). Collection method: clinical testing. Allele origin: germline.
Comment: This sequence change replaces arginine, which is basic and polar, with glutamine, which is neutral and polar, at codon 399 of the SPTLC2 protein (p.Arg399Gln). This variant is present in population databases (rs143757018, gnomAD 0.01%). This variant has not been reported in the literature in individuals affected with SPTLC2-related conditions. ClinVar contains an entry for this variant (Variation ID: 471487). Invitae Evidence Modeling of protein sequence and biophysical properties (such as structural, functional, and spatial information, amino acid conservation, physicochemical variation, residue mobility, and thermodynamic stability) has been performed for this missense variant. However, the output from this modeling did not meet the statistical confidence thresholds required to predict the impact of this variant on SPTLC2 protein function. In summary, the available evidence is currently insufficient to determine the role of this variant in disease. Therefore, it has been classified as a Variant of Uncertain Significance.

Ambry Genetics
Classification: Uncertain significance for Inborn genetic diseases. Last evaluated: 2022-04-05. Review status: criteria provided, single submitter. Criteria: Ambry Variant Classification Scheme 2023. Collection method: clinical testing. Allele origin: germline.
Comment: The p.R399Q variant (also known as c.1196G>A), located in coding exon 9 of the SPTLC2 gene, results from a G to A substitution at nucleotide position 1196. The arginine at codon 399 is replaced by glutamine, an amino acid with highly similar properties. This amino acid position is conserved. In addition, this alteration is predicted to be deleterious by in silico analysis. Since supporting evidence is limited at this time, the clinical significance of this alteration remains unclear.

NM_004863.4(SPTLC2):c.1196G>A (p.Arg399Gln)

Gene: SPTLC2 (serine palmitoyltransferase long chain base subunit 2; minus strand). Cytogenetic location: 14q24.3.
Variant type: single nucleotide variant.
Coding change: c.1196G>A on transcript NM_004863.4 (MANE Select); coding-DNA position 1196, G replaced by A.
Protein change: p.Arg399Gln; replaces arginine 399 with glutamine.
Molecular consequence: missense variant.
Genome position (GRCh38, 1-based): chr14:77,552,203, C>T on the plus strand (G>A on the coding strand, the complement: SPTLC2 is on the minus strand). VCF-style: chr14-77552203-C-T. GRCh37 (hg19) VCF-style: chr14-78018546-C-T.
Other names: short protein forms R399Q.
Identifiers: ClinVar variation 471487 (VCV000471487.13), dbSNP rs143757018, ClinGen allele CA7289234.